The following is an entry in ClinVar:

ClinVar aggregate classification (germline): Likely benign (1 of 4 stars; one submission).

Conditions:
MPIG6B-related disorder. Also called: MPIG6B-related condition.

gnomAD v4.1: 1 of 1,612,996 alleles (0.000062%); highest among the groups gnomAD compares: Non-Finnish European, 0.000085%; no homozygotes.

Submission:

PreventionGenetics, part of Exact Sciences
Classification: Likely benign for MPIG6B-related condition. Last evaluated: 2025-05-31. Review status: criteria provided, single submitter. Criteria: ACMG Guidelines, 2015. Collection method: clinical testing. Allele origin: germline.
Comment: This variant is classified as likely benign based on ACMG/AMP sequence variant interpretation guidelines (Richards et al. 2015 PMID: 25741868, with internal and published modifications).

NM_138272.3(MPIG6B):c.39G>T (p.Ser13=)

Gene: MPIG6B (megakaryocyte and platelet inhibitory receptor G6b; plus strand). Cytogenetic location: 6p21.33.
Variant type: single nucleotide variant.
Coding change: c.39G>T on transcript NM_138272.3 (MANE Select); coding-DNA position 39, G replaced by T.
Protein change: p.Ser13=; no amino-acid change (serine 13 retained).
Molecular consequence: synonymous variant.
Genome position (GRCh38, 1-based): chr6:31,723,422, G>T. VCF-style: chr6-31723422-G-T. GRCh37 (hg19) VCF-style: chr6-31691199-G-T.
Other names: c.39G>T, p.Ser13= (NM_025260.4, NM_138273.3, NM_138274.3 and 2 more transcripts).
Identifiers: ClinVar variation 4987080 (VCV004987080.1).